The following is an entry in ClinVar:

NM_001276345.2(TNNT2):c.233+6T>C

Gene: TNNT2 (troponin T2, cardiac type; minus strand). Cytogenetic location: 1q32.1.
Variant type: single nucleotide variant.
Coding change: c.233+6T>C on transcript NM_001276345.2 (MANE Select); 6 bases into the intron after coding-DNA position 233, T replaced by C.
Molecular consequence: intron variant.
Genome position (GRCh38, 1-based): chr1:201,366,832, A>G on the plus strand (T>C on the coding strand, the complement: TNNT2 is on the minus strand). VCF-style: chr1-201366832-A-G. GRCh37 (hg19) VCF-style: chr1-201335960-A-G.
Other names: c.188+6T>C (NM_001001432.3); c.203+6T>C (NM_001001431.3, NM_001001430.3, NM_001276347.2); c.230+6T>C (NM_001276346.2); c.233+6T>C (NM_000364.4).
Identifiers: ClinVar variation 43616 (VCV000043616.21), dbSNP rs397516449, ClinGen allele CA004125.

ClinVar aggregate classification (germline): Conflicting classifications of pathogenicity. Review status: criteria provided, conflicting classifications (1 of 4 stars). 7 submissions from 5 submitters: Uncertain significance (5); Likely benign (2). Last evaluated 2025-07-08.

Conditions:
Hypertrophic cardiomyopathy 2. Also called: TNNT2-Related Familial Hypertrophic Cardiomyopathy. Identifiers: MedGen C1861864, MONDO:0007266, OMIM 115195.
Cardiomyopathy, familial restrictive, 3. Identifiers: Orphanet 75249, MedGen C2676271, MONDO:0012900, OMIM 612422.
Dilated cardiomyopathy 1D. Identifiers: Orphanet 154, Orphanet 54260, MedGen C1832243, MONDO:0011095, OMIM 601494.
Cardiomyopathy (CMYO). Also called: Cardiomyopathies. Identifiers: Orphanet 167848, MedGen C0878544, MONDO:0004994, HP:0001638. Inheritance: Various modes of inheritance.

Allele frequency attached by ClinVar (database versions not stated): gnomAD exomes below 0.00001 and 0.00004; gnomAD 0.00001; TOPMed 0.00002.
gnomAD v4.1: 63 of 1,613,134 alleles (0.0039%); highest among the groups gnomAD compares: Non-Finnish European, 0.0053%; no homozygotes.

Submissions (7):

Labcorp Genetics (formerly Invitae), Labcorp
Classification: Uncertain significance for Cardiomyopathy, familial restrictive, 3; Hypertrophic cardiomyopathy 2; Dilated cardiomyopathy 1D. Last evaluated: 2025-07-08. Review status: criteria provided, single submitter. Criteria: Invitae Variant Classification Sherloc (09022015). Collection method: clinical testing. Allele origin: germline.
Comment: This sequence change falls in intron 7 of the TNNT2 gene. It does not directly change the encoded amino acid sequence of the TNNT2 protein. It affects a nucleotide within the consensus splice site. This variant is present in population databases (rs397516449, gnomAD 0.0009%). This variant has not been reported in the literature in individuals affected with TNNT2-related conditions. ClinVar contains an entry for this variant (Variation ID: 43616). Variants that disrupt the consensus splice site are a relatively common cause of aberrant splicing (PMID: 17576681, 9536098). Algorithms developed to predict the effect of sequence changes on RNA splicing suggest that this variant is not likely to affect RNA splicing. In summary, the available evidence is currently insufficient to determine the role of this variant in disease. Therefore, it has been classified as a Variant of Uncertain Significance.

All of Us Research Program, National Institutes of Health
Classification: Likely benign for Cardiomyopathy. Last evaluated: 2024-05-30. Review status: criteria provided, single submitter. Criteria: ACMG Guidelines, 2015. Collection method: clinical testing. Allele origin: germline. Inheritance: Autosomal dominant inheritance. Observed: 3 variant alleles, 3 heterozygotes.
Comment: This study involves interpretation of variants in research participants for the purpose of population health screening. Participant phenotype was not available at the time of variant classification. Additional details can be found in publication PMID: 35346344, PMCID: PMC8962531

Color Diagnostics, LLC DBA Color Health
Classification: Likely benign for Cardiomyopathy. Last evaluated: 2018-11-16. Review status: criteria provided, single submitter. Criteria: ACMG Guidelines, 2015. Collection method: clinical testing. Allele origin: germline.

Illumina Laboratory Services, Illumina
Classification: Uncertain significance for Hypertrophic cardiomyopathy 2. Last evaluated: 2018-01-12. Review status: criteria provided, single submitter. Criteria: ICSL Variant Classification Criteria 13 December 2019. Collection method: clinical testing. Allele origin: germline.

Illumina Laboratory Services, Illumina
Classification: Uncertain significance for Cardiomyopathy, familial restrictive, 3. Last evaluated: 2018-01-12. Review status: criteria provided, single submitter. Criteria: ICSL Variant Classification Criteria 13 December 2019. Collection method: clinical testing. Allele origin: germline.

Illumina Laboratory Services, Illumina
Classification: Uncertain significance for Dilated cardiomyopathy 1D. Last evaluated: 2018-01-12. Review status: criteria provided, single submitter. Criteria: ICSL Variant Classification Criteria 13 December 2019. Collection method: clinical testing. Allele origin: germline.

Laboratory for Molecular Medicine, Mass General Brigham Personalized Medicine
Classification: Uncertain significance. Last evaluated: 2013-12-26. Review status: criteria provided, single submitter. Criteria: LMM Criteria. Collection method: clinical testing. Allele origin: germline. Observed: 2 variant alleles.
Comment: This variant is located in the 5' splice region. Computa tional tools do not strongly suggest an impact to splicing. However, this inform ation is not predictive enough to rule out pathogenicity. In summary, additional studies are needed to fully assess the clinical significance of this variant.

Literature cited by the submitters: PubMed 17576681 (cited by Labcorp Genetics (formerly Invitae), Labcorp); PubMed 9536098 (cited by Labcorp Genetics (formerly Invitae), Labcorp).